The following is an entry in ClinVar:

NM_004304.5(ALK):c.587C>A (p.Ser196Ter)

Gene: ALK (ALK receptor tyrosine kinase; minus strand). Cytogenetic location: 2p23.1.
Variant type: single nucleotide variant.
Coding change: c.587C>A on transcript NM_004304.5 (MANE Select); coding-DNA position 587, C replaced by A.
Protein change: p.Ser196Ter; replaces serine 196 with a stop codon.
Molecular consequence: nonsense.
Genome position (GRCh38, 1-based): chr2:29,920,073, G>T on the plus strand (C>A on the coding strand, the complement: ALK is on the minus strand). VCF-style: chr2-29920073-G-T. GRCh37 (hg19) VCF-style: chr2-30142939-G-T.
Other names: short protein forms S196*.
Identifiers: ClinVar variation 3724168 (VCV003724168.2).

ClinVar aggregate classification (germline): Uncertain significance (1 of 4 stars; one submission).

Conditions:
Neuroblastoma, susceptibility to, 3. Also called: ALK-Related Neuroblastic Tumor Susceptibility. Identifiers: Orphanet 635, MedGen C2751681, MONDO:0013083, OMIM 613014.

Submission:

Labcorp Genetics (formerly Invitae), Labcorp
Classification: Uncertain significance for Neuroblastoma, susceptibility to, 3. Last evaluated: 2024-10-30. Review status: criteria provided, single submitter. Criteria: Invitae Variant Classification Sherloc (09022015). Collection method: clinical testing. Allele origin: germline.
Comment: This sequence change creates a premature translational stop signal (p.Ser196*) in the ALK gene. It is expected to result in an absent or disrupted protein product. However, the current clinical and genetic evidence is not sufficient to establish whether loss-of-function variants in ALK cause disease. This variant is not present in population databases (gnomAD no frequency). This variant has not been reported in the literature in individuals affected with ALK-related conditions. In summary, the available evidence is currently insufficient to determine the role of this variant in disease. Therefore, it has been classified as a Variant of Uncertain Significance.